The following is an entry in ClinVar:

NM_006005.3(WFS1):c.662A>G (p.Lys221Arg)

Gene: WFS1 (wolframin ER transmembrane glycoprotein; plus strand). Cytogenetic location: 4p16.1.
Variant type: single nucleotide variant.
Coding change: c.662A>G on transcript NM_006005.3 (MANE Select); coding-DNA position 662, A replaced by G.
Protein change: p.Lys221Arg; replaces lysine 221 with arginine.
Molecular consequence: missense variant.
Genome position (GRCh38, 1-based): chr4:6,291,947, A>G. VCF-style: chr4-6291947-A-G. GRCh37 (hg19) VCF-style: chr4-6293674-A-G.
Other names: c.662A>G, p.Lys221Arg (NM_001145853.1); short protein forms K221R.
Identifiers: ClinVar variation 2915997 (VCV002915997.3), dbSNP rs780940994, ClinGen allele CA2838990.

ClinVar aggregate classification (germline): Uncertain significance (1 of 4 stars; one submission).

Allele frequency attached by ClinVar (database versions not stated): 1000 Genomes Project 30x 0.00016; TOPMed 0.00001; ExAC 0.00003; gnomAD 0.00001.
gnomAD v4.1: 21 of 1,611,378 alleles (0.0013%); highest among the groups gnomAD compares: Middle Eastern, 0.017%; no homozygotes.

Submission:

Labcorp Genetics (formerly Invitae), Labcorp
Classification: Uncertain significance. Last evaluated: 2025-11-01. Review status: criteria provided, single submitter. Criteria: Invitae Variant Classification Sherloc (09022015). Collection method: clinical testing. Allele origin: germline.
Comment: This sequence change replaces lysine, which is basic and polar, with arginine, which is basic and polar, at codon 221 of the WFS1 protein (p.Lys221Arg). This variant is present in population databases (rs780940994, gnomAD 0.02%). This variant has not been reported in the literature in individuals affected with WFS1-related conditions. ClinVar contains an entry for this variant (Variation ID: 2915997). Invitae Evidence Modeling of protein sequence and biophysical properties (such as structural, functional, and spatial information, amino acid conservation, physicochemical variation, residue mobility, and thermodynamic stability) indicates that this missense variant is not expected to disrupt WFS1 protein function with a negative predictive value of 80%. In summary, the available evidence is currently insufficient to determine the role of this variant in disease. Therefore, it has been classified as a Variant of Uncertain Significance.